The following is an entry in ClinVar:

ClinVar aggregate classification (germline): Uncertain significance (0 of 4 stars; one submission).

Conditions:
KANK1-related disorder. Also called: KANK1-related condition.

Submission:

PreventionGenetics, part of Exact Sciences
Classification: Uncertain significance for KANK1-related condition. Last evaluated: 2024-06-27. Review status: no assertion criteria provided. Collection method: clinical testing. Allele origin: germline.
Comment: The KANK1 c.266C>G variant is predicted to result in the amino acid substitution p.Thr89Ser. To our knowledge, this variant has not been reported in the literature or in a large population database, indicating this variant is rare. At this time, the clinical significance of this variant is uncertain due to the absence of conclusive functional and genetic evidence.

NM_015158.5(KANK1):c.266C>G (p.Thr89Ser)

Gene: KANK1 (KN motif and ankyrin repeat domains 1; plus strand). Cytogenetic location: 9p24.3.
Variant type: single nucleotide variant.
Coding change: c.266C>G on transcript NM_015158.5 (MANE Select); coding-DNA position 266, C replaced by G.
Protein change: p.Thr89Ser; replaces threonine 89 with serine.
Molecular consequence: missense variant. On other transcripts: 5 prime UTR variant (12), non-coding transcript variant (1).
Genome position (GRCh38, 1-based): chr9:711,032, C>G. VCF-style: chr9-711032-C-G. GRCh37 (hg19) VCF-style: chr9-711032-C-G.
Other names: c.266C>G, p.Thr89Ser (NM_001256876.3, NM_001256877.3, NM_001354331.2 and 2 more transcripts); c.-209C>G (NM_001354333.2, NM_001354335.2, NM_001354336.2 and 9 more transcripts); short protein forms T89S.
Identifiers: ClinVar variation 3346633 (VCV003346633.1).
Genomic context (GRCh38, chr9:711,032, plus strand): 5'-CGTCCGTGCCATGCCCAGAACCCAGGACCACATCTGGTCAGCAAGGTATATGGACTTCCA[C>G]TGAATCCCTCTCATCCTCCAACAGTGATGACAACAAGCAGTGCCCCAACTTCCTCATAGC-3'
Protein context (NP_055973.2, residues 79-99): TSGQQGIWTS[Thr89Ser]ESLSSSNSDD